The following is an entry in ClinVar:

NM_000186.4(CFH):c.2618C>A (p.Pro873Gln)

Gene: CFH (complement factor H; plus strand). Cytogenetic location: 1q31.3.
Variant type: single nucleotide variant.
Coding change: c.2618C>A on transcript NM_000186.4 (MANE Select); coding-DNA position 2618, C replaced by A.
Protein change: p.Pro873Gln; replaces proline 873 with glutamine.
Molecular consequence: missense variant.
Genome position (GRCh38, 1-based): chr1:196,737,496, C>A. VCF-style: chr1-196737496-C-A. GRCh37 (hg19) VCF-style: chr1-196706626-C-A.
Other names: short protein forms P873Q.
Identifiers: ClinVar variation 3686821 (VCV003686821.2).
Genomic context (GRCh38, chr1:196,737,496, plus strand): 5'-TATTTGTTTTTAACCCTTTGATTTTCATTCTTCATTTAGAAAAAATTCCATGTTCACAAC[C>A]ACCTCAGATAGAACACGGAACCATTAATTCATCCAGGTCTTCACAAGAAAGTTATGCACA-3'
Protein context (NP_000177.2, residues 863-883): LCVEKIPCSQ[Pro873Gln]PQIEHGTINS

ClinVar aggregate classification (germline): Uncertain significance (1 of 4 stars; one submission).

gnomAD v4.1: 5 of 1,612,472 alleles (0.00031%); highest among the groups gnomAD compares: Non-Finnish European, 0.00042%; no homozygotes.

Submission:

Labcorp Genetics (formerly Invitae), Labcorp
Classification: Uncertain significance. Last evaluated: 2024-06-10. Review status: criteria provided, single submitter. Criteria: Invitae Variant Classification Sherloc (09022015). Collection method: clinical testing. Allele origin: germline.
Comment: This sequence change replaces proline, which is neutral and non-polar, with glutamine, which is neutral and polar, at codon 873 of the CFH protein (p.Pro873Gln). This variant is not present in population databases (gnomAD no frequency). This variant has not been reported in the literature in individuals affected with CFH-related conditions. An algorithm developed to predict the effect of missense changes on protein structure and function (PolyPhen-2) suggests that this variant is likely to be disruptive. In summary, the available evidence is currently insufficient to determine the role of this variant in disease. Therefore, it has been classified as a Variant of Uncertain Significance.